The following is an entry in ClinVar:

ClinVar aggregate classification (germline): Uncertain significance (1 of 4 stars; one submission).

Submission:

Labcorp Genetics (formerly Invitae), Labcorp
Classification: Uncertain significance. Last evaluated: 2024-05-22. Review status: criteria provided, single submitter. Criteria: Invitae Variant Classification Sherloc (09022015). Collection method: clinical testing. Allele origin: germline.
Comment: This sequence change replaces alanine, which is neutral and non-polar, with serine, which is neutral and polar, at codon 352 of the ACTN1 protein (p.Ala352Ser). This variant is not present in population databases (gnomAD no frequency). This variant has not been reported in the literature in individuals affected with ACTN1-related conditions. An algorithm developed to predict the effect of missense changes on protein structure and function (PolyPhen-2) suggests that this variant is likely to be tolerated. In summary, the available evidence is currently insufficient to determine the role of this variant in disease. Therefore, it has been classified as a Variant of Uncertain Significance.

NM_001130004.2(ACTN1):c.1054G>T (p.Ala352Ser)

Gene: ACTN1 (actinin alpha 1; minus strand). Cytogenetic location: 14q24.1.
Variant type: single nucleotide variant.
Coding change: c.1054G>T on transcript NM_001130004.2 (MANE Select); coding-DNA position 1054, G replaced by T.
Protein change: p.Ala352Ser; replaces alanine 352 with serine.
Molecular consequence: missense variant.
Genome position (GRCh38, 1-based): chr14:68,892,085, C>A on the plus strand (G>T on the coding strand, the complement: ACTN1 is on the minus strand). VCF-style: chr14-68892085-C-A. GRCh37 (hg19) VCF-style: chr14-69358802-C-A.
Other names: c.1054G>T, p.Ala352Ser (NM_001424016.1, NM_001424019.1, NM_001424023.1 and 9 more transcripts); c.1051G>T, p.Ala351Ser (NM_001424017.1); c.991G>T, p.Ala331Ser (NM_001424018.1, NM_001424020.1, NM_001424022.1); c.985G>T, p.Ala329Ser (NM_001424021.1); c.859G>T, p.Ala287Ser (NM_001424026.1, NM_001424028.1, NM_001411036.1); c.229G>T, p.Ala77Ser (NM_001424030.1); c.1180G>T, p.Ala394Ser (NM_001424013.1); c.1141G>T, p.Ala381Ser (NM_001424015.1); short protein forms A287S, A329S, A351S, A352S, A394S, A381S, A77S, A331S.
Identifiers: ClinVar variation 2806744 (VCV002806744.3), dbSNP rs954983250, ClinGen allele CA390188220.